The following is an entry in ClinVar:

ClinVar aggregate classification (germline): Uncertain significance (1 of 4 stars; one submission).

Conditions:
Emery-Dreifuss muscular dystrophy 5, autosomal dominant (EDMD5). Also called: EMERY-DREIFUSS MUSCULAR DYSTROPHY 5. Identifiers: Orphanet 261, MedGen C2751805, MONDO:0013072, OMIM 612999.

Allele frequency attached by ClinVar (database versions not stated): gnomAD exomes below 0.00001.

Submission:

Labcorp Genetics (formerly Invitae), Labcorp
Classification: Uncertain significance for Emery-Dreifuss muscular dystrophy 5, autosomal dominant. Last evaluated: 2023-05-08. Review status: criteria provided, single submitter. Criteria: Invitae Variant Classification Sherloc (09022015). Collection method: clinical testing. Allele origin: germline.
Comment: ClinVar contains an entry for this variant (Variation ID: 653315). This sequence change replaces glycine, which is neutral and non-polar, with glutamic acid, which is acidic and polar, at codon 1566 of the SYNE2 protein (p.Gly1566Glu). This variant is not present in population databases (gnomAD no frequency). This variant has not been reported in the literature in individuals affected with SYNE2-related conditions. An algorithm developed to predict the effect of missense changes on protein structure and function (PolyPhen-2) suggests that this variant is likely to be disruptive. In summary, the available evidence is currently insufficient to determine the role of this variant in disease. Therefore, it has been classified as a Variant of Uncertain Significance.

NM_182914.3(SYNE2):c.4697G>A (p.Gly1566Glu)

Gene: SYNE2 (spectrin repeat containing nuclear envelope protein 2; plus strand). Cytogenetic location: 14q23.2.
Variant type: single nucleotide variant.
Coding change: c.4697G>A on transcript NM_182914.3 (MANE Select); coding-DNA position 4697, G replaced by A.
Protein change: p.Gly1566Glu; replaces glycine 1566 with glutamic acid.
Molecular consequence: missense variant.
Genome position (GRCh38, 1-based): chr14:64,010,085, G>A. VCF-style: chr14-64010085-G-A. GRCh37 (hg19) VCF-style: chr14-64476803-G-A.
Other names: c.4697G>A, p.Gly1566Glu (NM_015180.6); short protein forms G1566E.
Identifiers: ClinVar variation 653315 (VCV000653315.8), dbSNP rs906789317, ClinGen allele CA389936335.